The following is an entry in ClinVar:

NM_006245.4(PPP2R5D):c.790C>T (p.Arg264Cys)

Gene: PPP2R5D (protein phosphatase 2 regulatory subunit B'delta; plus strand). Cytogenetic location: 6p21.1.
Variant type: single nucleotide variant.
Coding change: c.790C>T on transcript NM_006245.4 (MANE Select); coding-DNA position 790, C replaced by T.
Protein change: p.Arg264Cys; replaces arginine 264 with cysteine.
Molecular consequence: missense variant.
Genome position (GRCh38, 1-based): chr6:43,007,998, C>T. VCF-style: chr6-43007998-C-T. GRCh37 (hg19) VCF-style: chr6-42975736-C-T.
Other names: c.337C>T, p.Arg113Cys (NM_001270476.2); c.694C>T, p.Arg232Cys (NM_180976.3); c.472C>T, p.Arg158Cys (NM_180977.3); short protein forms R113C, R264C, R158C, R232C.
Identifiers: ClinVar variation 1517047 (VCV001517047.8), dbSNP rs758921014, ClinGen allele CA3811912.
Genomic context (GRCh38, chr6:43,007,998, plus strand): 5'-CTAGACCTATTTGACAGTGAGGATCCTCGAGAGCGGGACTTCCTCAAGACCATTTTGCAT[C>T]GCATCTATGGCAAGTTTTTGGGGCTCCGGGCTTATATCCGTAGGCAGATCAACCACATCT-3'
Protein context (NP_006236.1, residues 254-274): ERDFLKTILH[Arg264Cys]IYGKFLGLRA

ClinVar aggregate classification (germline): Uncertain significance (1 of 4 stars; one submission).

Allele frequency attached by ClinVar (database versions not stated): gnomAD exomes below 0.00001; ExAC 0.00001; gnomAD 0.00001.
gnomAD v4.1: 4 of 1,614,130 alleles (0.00025%); highest among the groups gnomAD compares: Non-Finnish European, 0.000085%; no homozygotes.

Submission:

Labcorp Genetics (formerly Invitae), Labcorp
Classification: Uncertain significance. Last evaluated: 2021-03-16. Review status: criteria provided, single submitter. Criteria: Invitae Variant Classification Sherloc (09022015). Collection method: clinical testing. Allele origin: germline.
Comment: This variant is present in population databases (rs758921014, ExAC 0.001%). This variant has not been reported in the literature in individuals with PPP2R5D-related conditions. Algorithms developed to predict the effect of missense changes on protein structure and function (SIFT, PolyPhen-2, Align-GVGD) all suggest that this variant is likely to be disruptive, but these predictions have not been confirmed by published functional studies and their clinical significance is uncertain. In summary, the available evidence is currently insufficient to determine the role of this variant in disease. Therefore, it has been classified as a Variant of Uncertain Significance. This sequence change replaces arginine with cysteine at codon 264 of the PPP2R5D protein (p.Arg264Cys). The arginine residue is highly conserved and there is a large physicochemical difference between arginine and cysteine.